The following is an entry in ClinVar:

ClinVar aggregate classification (germline): Uncertain significance. Review status: criteria provided, multiple submitters, no conflicts (2 of 4 stars). 3 submissions from 3 submitters: Uncertain significance (3). Last evaluated 2026-06-25.

Conditions:
Hajdu-Cheney syndrome (HJCYS). Also called: SERPENTINE FIBULA-POLYCYSTIC KIDNEY SYNDROME; ACROOSTEOLYSIS WITH OSTEOPOROSIS AND CHANGES IN SKULL AND MANDIBLE; Acroosteolysis dominant type. Identifiers: Orphanet 955, MedGen C0917715, MONDO:0007057, OMIM 102500.
NOTCH2-related disorder. Also called: NOTCH2-related condition.
Alagille syndrome due to a NOTCH2 point mutation. Also called: Alagille syndrome 2. Identifiers: Orphanet 261629, Orphanet 52, MedGen C1857761, MONDO:0012439, OMIM 610205.

Allele frequency attached by ClinVar (database versions not stated): gnomAD exomes 0.00005 and 0.00004; ESP Exome Variant Server 0.00015; ExAC 0.00001; gnomAD 0.00004 and 0.00005; TOPMed 0.00004.
gnomAD v4.1: 83 of 1,614,058 alleles (0.0051%); highest among the groups gnomAD compares: Admixed American, 0.0083%; 1 homozygote.

Submissions (3):

PreventionGenetics, part of Exact Sciences
Classification: Uncertain significance for NOTCH2-related condition. Last evaluated: 2026-06-25. Review status: criteria provided, single submitter. Criteria: ACMG Guidelines, 2015. Collection method: clinical testing. Allele origin: germline.
Comment: The NOTCH2 c.6868G>A variant is predicted to result in the amino acid substitution p.Glu2290Lys. To our knowledge, this variant has not been reported in the literature. This variant is reported in 0.0085% of alleles in individuals of Latino descent in gnomAD. This variant could be benign. At this time, the clinical significance of this variant is uncertain due to the absence of conclusive functional and genetic evidence.

Labcorp Genetics (formerly Invitae), Labcorp
Classification: Uncertain significance for Hajdu-Cheney syndrome. Last evaluated: 2025-08-01. Review status: criteria provided, single submitter. Criteria: Invitae Variant Classification Sherloc (09022015). Collection method: clinical testing. Allele origin: germline.
Comment: This sequence change replaces glutamic acid, which is acidic and polar, with lysine, which is basic and polar, at codon 2290 of the NOTCH2 protein (p.Glu2290Lys). This variant is present in population databases (rs141878560, gnomAD 0.006%). This variant has not been reported in the literature in individuals affected with NOTCH2-related conditions. ClinVar contains an entry for this variant (Variation ID: 1355144). Invitae Evidence Modeling of protein sequence and biophysical properties (such as structural, functional, and spatial information, amino acid conservation, physicochemical variation, residue mobility, and thermodynamic stability) indicates that this missense variant is not expected to disrupt NOTCH2 protein function with a negative predictive value of 80%. In summary, the available evidence is currently insufficient to determine the role of this variant in disease. Therefore, it has been classified as a Variant of Uncertain Significance.

Fulgent Genetics
Classification: Uncertain significance for Hajdu-Cheney syndrome; Alagille syndrome due to a NOTCH2 point mutation. Last evaluated: 2022-01-07. Review status: criteria provided, single submitter. Criteria: ACMG Guidelines, 2015. Collection method: clinical testing. Allele origin: unknown.

NM_024408.4(NOTCH2):c.6868G>A (p.Glu2290Lys)

Gene: NOTCH2 (notch receptor 2; minus strand). Cytogenetic location: 1p12.
Variant type: single nucleotide variant.
Coding change: c.6868G>A on transcript NM_024408.4 (MANE Select); coding-DNA position 6868, G replaced by A.
Protein change: p.Glu2290Lys; replaces glutamic acid 2290 with lysine.
Molecular consequence: missense variant.
Genome position (GRCh38, 1-based): chr1:119,915,854, C>T on the plus strand (G>A on the coding strand, the complement: NOTCH2 is on the minus strand). VCF-style: chr1-119915854-C-T. GRCh37 (hg19) VCF-style: chr1-120458477-C-T.
Other names: c.6868G>A (NM_024408.3); short protein forms E2290K.
Identifiers: ClinVar variation 1355144 (VCV001355144.10), dbSNP rs141878560, ClinGen allele CA1039364.
Genomic context (GRCh38, chr1:119,915,854, plus strand): 5'-TGAGCTGGAAAGTCACAATGGGGGGCAAGGGCTCCCGAGGGGTGGTTATGTGCTTCCCTT[C>T]AGGTGGCCTGCTCTGGGGAGCTATGCCAGGATGGGTGCCCTCAGCTGGAGCCAGGACCAT-3'
Protein context (NP_077719.2, residues 2280-2300): PGIAPQSRPP[Glu2290Lys]GKHITTPREP